The following is an entry in ClinVar:

NM_000883.4(IMPDH1):c.169C>T (p.His57Tyr)

Gene: IMPDH1 (inosine monophosphate dehydrogenase 1; minus strand). Cytogenetic location: 7q32.1.
Variant type: single nucleotide variant.
Coding change: c.169C>T on transcript NM_000883.4 (MANE Select); coding-DNA position 169, C replaced by T.
Protein change: p.His57Tyr; replaces histidine 57 with tyrosine.
Molecular consequence: missense variant. On other transcripts: intron variant (3).
Genome position (GRCh38, 1-based): chr7:128,409,462, G>A on the plus strand (C>T on the coding strand, the complement: IMPDH1 is on the minus strand). VCF-style: chr7-128409462-G-A. GRCh37 (hg19) VCF-style: chr7-128049516-G-A.
Other names: c.169C>T, p.His57Tyr (NM_001142576.2); c.146+294C>T (NM_001304521.2, NM_183243.3); c.147-96C>T (NM_001102605.2); short protein forms H57Y.
Identifiers: ClinVar variation 938250 (VCV000938250.9), dbSNP rs1798992588, ClinGen allele CA369181338.

ClinVar aggregate classification (germline): Uncertain significance (1 of 4 stars; one submission).

Submission:

Labcorp Genetics (formerly Invitae), Labcorp
Classification: Uncertain significance. Last evaluated: 2020-06-06. Review status: criteria provided, single submitter. Criteria: Invitae Variant Classification Sherloc (09022015). Collection method: clinical testing. Allele origin: germline.
Comment: This sequence change replaces histidine with tyrosine at codon 57 of the IMPDH1 protein (p.His57Tyr). The histidine residue is weakly conserved and there is a moderate physicochemical difference between histidine and tyrosine. This variant is not present in population databases (ExAC no frequency). This variant has not been reported in the literature in individuals with IMPDH1-related conditions. Algorithms developed to predict the effect of missense changes on protein structure and function are either unavailable or do not agree on the potential impact of this missense change (SIFT: "Deleterious"; PolyPhen-2: "Benign"; Align-GVGD: "Class C0"). In summary, the available evidence is currently insufficient to determine the role of this variant in disease. Therefore, it has been classified as a Variant of Uncertain Significance.